The following is an entry in ClinVar:

ClinVar aggregate classification (germline): Likely benign (3 of 4 stars; one submission).

Conditions:
Lynch syndrome. Identifiers: Orphanet 144, MedGen C4552100, MONDO:0005835. Disease mechanism: loss of function.

Submission:

International Society for Gastrointestinal Hereditary Tumours (InSiGHT)
Classification: Likely benign for Lynch Syndrome. Last evaluated: 2013-09-05. Review status: reviewed by expert panel. Criteria: Guidelines v1.9. Collection method: research. Allele origin: germline.
Comment: Multifactorial likelihood analysis posterior probability 0.001-0.049

Classified with v1.9 guidelines

NM_000179.3(MSH6):c.1667A>T (p.Tyr556Phe)

Gene: MSH6 (mutS homolog 6; plus strand). Cytogenetic location: 2p16.3.
Variant type: single nucleotide variant.
Coding change: c.1667A>T on transcript NM_000179.3 (MANE Select); coding-DNA position 1667, A replaced by T.
Protein change: p.Tyr556Phe; replaces tyrosine 556 with phenylalanine.
Molecular consequence: missense variant.
Genome position (GRCh38, 1-based): chr2:47,799,650, A>T. VCF-style: chr2-47799650-A-T. GRCh37 (hg19) VCF-style: chr2-48026789-A-T.
Other names: c.1277A>T, p.Tyr426Phe (NM_001281492.2); c.761A>T, p.Tyr254Phe (NM_001281493.2, NM_001281494.2); short protein forms Y556F, Y426F, Y254F.
Identifiers: ClinVar variation 89214 (VCV000089214.2), dbSNP rs63751312, ClinGen allele CA009037.